The following is an entry in ClinVar:

NM_000090.4(COL3A1):c.1673_1722del (p.Gly558fs)

Gene: COL3A1 (collagen type III alpha 1 chain; plus strand). Cytogenetic location: 2q32.2.
Variant type: Deletion.
Coding change: c.1673_1722del on transcript NM_000090.4 (MANE Select); coding-DNA positions 1673 to 1722, 50 bases deleted.
Protein change: p.Gly558fs; shifts the reading frame from glycine 558.
Molecular consequence: frameshift variant.
Genome position (GRCh38, 1-based): chr2:188,996,408-188,996,457, 50 bases deleted; deleting any 50 consecutive bases within chr2:188,996,406-188,996,457 gives the same sequence; the c. name uses the placement nearest the transcript's 3' end. GRCh37 (hg19): chr2:189,861,134-189,861,183.
Other names: c.1673_1722del50 (NM_000090.3); short protein forms G558fs.
Identifiers: ClinVar variation 523985 (VCV000523985.2), dbSNP rs1553508231, ClinGen allele CA658796117.

ClinVar aggregate classification (germline): Likely pathogenic (1 of 4 stars; one submission).

Submission:

GeneDx
Classification: Likely pathogenic. Last evaluated: 2018-03-22. Review status: criteria provided, single submitter. Criteria: GeneDx Variant Classification (06012015). Collection method: clinical testing. Allele origin: germline. Affected: yes.
Comment: The c.1673_1722del50 variant in the COL3A1 gene has not been reported previously as a pathogenic variant nor as a benign variant, to our knowledge. The c.1673_1722del50 variant causes a frameshift starting with codon Glycine 558, changes this amino acid to a Alanine residue, and creates a premature Stop codon at position 10 of the new reading frame, denoted p.G558AfsX10. This variant is predicted to cause loss of normal protein function either through protein truncation or nonsense-mediated mRNA decay. The c.1673_1722del50 variant is not observed in large population cohorts (Lek et al., 2016). We interpret c.1673_1722del50 as a likely pathogenic variant